The following is an entry in ClinVar:

NM_000038.6(APC):c.2811C>T (p.Phe937=)

Gene: APC (APC regulator of Wnt signaling pathway; plus strand). Cytogenetic location: 5q22.2.
Variant type: single nucleotide variant.
Coding change: c.2811C>T on transcript NM_000038.6 (MANE Select); coding-DNA position 2811, C replaced by T.
Protein change: p.Phe937=; no amino-acid change (phenylalanine 937 retained).
Molecular consequence: synonymous variant.
Genome position (GRCh38, 1-based): chr5:112,838,405, C>T. VCF-style: chr5-112838405-C-T. GRCh37 (hg19) VCF-style: chr5-112174102-C-T.
Other names: c.2811C>T, p.Phe937= (NM_001127510.3, NM_001354895.2); c.2757C>T, p.Phe919= (NM_001127511.3); c.2865C>T, p.Phe955= (NM_001354896.2); c.2841C>T, p.Phe947= (NM_001354897.2); c.2736C>T, p.Phe912= (NM_001354898.2); c.2727C>T, p.Phe909= (NM_001354899.2); c.2688C>T, p.Phe896= (NM_001354900.2); c.2634C>T, p.Phe878= (NM_001354901.2); and 5 more.
Identifiers: ClinVar variation 1079732 (VCV001079732.15), dbSNP rs781367306, ClinGen allele CA033533.

ClinVar aggregate classification (germline): Benign/Likely benign. Review status: criteria provided, multiple submitters, no conflicts (2 of 4 stars). 5 submissions from 5 submitters: Benign (2); Likely benign (3). Last evaluated 2024-03-21.

Conditions:
Hereditary cancer-predisposing syndrome. Also called: Hereditary Cancer Syndrome; Neoplastic Syndromes, Hereditary; Tumor predisposition; Hereditary neoplastic syndrome. Identifiers: Orphanet 140162, MedGen C0027672, MeSH D009386, MONDO:0015356.
Familial adenomatous polyposis 1 (FAP1). Also called: FAMILIAL ADENOMATOUS POLYPOSIS 1, ATTENUATED; POLYPOSIS, ADENOMATOUS INTESTINAL. Identifiers: MedGen C2713442, MONDO:0021056, OMIM 175100. Disease mechanism: loss of function.

Allele frequency attached by ClinVar (database versions not stated): ExAC 0.00001; gnomAD exomes 0.00001.
gnomAD v4.1: 7 of 1,614,150 alleles (0.00043%); highest among the groups gnomAD compares: South Asian, 0.0077%; 1 homozygote.

Submissions (5):

Blueprint Genetics
Classification: Likely benign. Last evaluated: 2024-03-21. Review status: criteria provided, single submitter. Criteria: ACMG Guidelines, 2015. Collection method: clinical testing. Allele origin: germline.

Myriad Genetics, Inc.
Classification: Benign for Familial adenomatous polyposis 1. Last evaluated: 2024-03-15. Review status: criteria provided, single submitter. Criteria: Myriad Autosomal Dominant, Autosomal Recessive and X-Linked Classification Criteria (2023). Collection method: clinical testing. Allele origin: unknown.
Comment: This variant is considered benign. This variant is a silent/synonymous amino acid change and it is not expected to impact splicing.

Labcorp Genetics (formerly Invitae), Labcorp
Classification: Likely benign for Familial adenomatous polyposis 1. Last evaluated: 2023-07-30. Review status: criteria provided, single submitter. Criteria: Invitae Variant Classification Sherloc (09022015). Collection method: clinical testing. Allele origin: germline.

Ambry Genetics
Classification: Benign for Hereditary cancer-predisposing syndrome. Last evaluated: 2022-02-19. Review status: criteria provided, single submitter. Criteria: Ambry Variant Classification Scheme 2023. Collection method: clinical testing. Allele origin: germline.

Color Diagnostics, LLC DBA Color Health
Classification: Likely benign for Hereditary cancer-predisposing syndrome. Last evaluated: 2020-12-08. Review status: criteria provided, single submitter. Criteria: ACMG Guidelines, 2015. Collection method: clinical testing. Allele origin: germline.